The following is an entry in ClinVar:

NM_025179.4(PLXNA2):c.1323C>T (p.Asn441=)

Gene: PLXNA2 (plexin A2; minus strand). Cytogenetic location: 1q32.2.
Variant type: single nucleotide variant.
Coding change: c.1323C>T on transcript NM_025179.4 (MANE Select); coding-DNA position 1323, C replaced by T.
Protein change: p.Asn441=; no amino-acid change (asparagine 441 retained).
Molecular consequence: synonymous variant.
Genome position (GRCh38, 1-based): chr1:208,210,328, G>A on the plus strand (C>T on the coding strand, the complement: PLXNA2 is on the minus strand). VCF-style: chr1-208210328-G-A. GRCh37 (hg19) VCF-style: chr1-208383673-G-A.
Other names: c.1323C>T (NM_025179.3).
Identifiers: ClinVar variation 1083140 (VCV001083140.11), dbSNP rs142684842, ClinGen allele CA1373918.

ClinVar aggregate classification (germline): Likely benign. Review status: criteria provided, single submitter (1 of 4 stars). 2 submissions from 2 submitters: Likely benign (1). 1 of the submissions does not count toward it. Last evaluated 2026-01-14.

Conditions:
PLXNA2-related disorder. Also called: PLXNA2-related condition.

Allele frequency attached by ClinVar (database versions not stated): 1000 Genomes Project 30x 0.00047; 1000 Genomes Project 0.00060; ESP Exome Variant Server 0.00062; ExAC 0.00087; TOPMed 0.00090; gnomAD 0.00100 and 0.00106.
gnomAD v4.1: 1,710 of 1,613,934 alleles (0.11%); highest among the groups gnomAD compares: East Asian, 0.26%; 4 homozygotes.

Submissions (2):

Labcorp Genetics (formerly Invitae), Labcorp
Classification: Likely benign. Last evaluated: 2026-01-14. Review status: criteria provided, single submitter. Criteria: Invitae Variant Classification Sherloc (09022015). Collection method: clinical testing. Allele origin: germline.

PreventionGenetics, part of Exact Sciences
Classification: Likely benign for PLXNA2-related condition. Last evaluated: 2021-05-17. Review status: no assertion criteria provided. Collection method: clinical testing. Allele origin: germline. Not counted in ClinVar's aggregate classification.
Comment: This variant is classified as likely benign based on ACMG/AMP sequence variant interpretation guidelines (Richards et al. 2015 PMID: 25741868, with internal and published modifications).